The following is an entry in ClinVar:

NM_001242896.3(DEPDC5):c.543G>A (p.Met181Ile)

Gene: DEPDC5 (DEP domain containing 5, GATOR1 subcomplex subunit; plus strand). Cytogenetic location: 22q12.2.
Variant type: single nucleotide variant.
Coding change: c.543G>A on transcript NM_001242896.3 (MANE Select); coding-DNA position 543, G replaced by A.
Protein change: p.Met181Ile; replaces methionine 181 with isoleucine.
Molecular consequence: missense variant. On other transcripts: non-coding transcript variant (5).
Genome position (GRCh38, 1-based): chr22:31,783,966, G>A. VCF-style: chr22-31783966-G-A. GRCh37 (hg19) VCF-style: chr22-32179952-G-A.
Other names: c.543G>A, p.Met181Ile (NM_001007188.4, NM_001136029.4, NM_001242897.2 and 7 more transcripts); c.459G>A, p.Met153Ile (NM_001369901.1, NM_001369902.1); short protein forms M153I, M181I.
Identifiers: ClinVar variation 1052094 (VCV001052094.9), dbSNP rs887378031, ClinGen allele CA323339891.

ClinVar aggregate classification (germline): Uncertain significance (1 of 4 stars; one submission).

Conditions:
Familial focal epilepsy with variable foci (FPEVF). Identifiers: Orphanet 98820, MedGen C1858477, MONDO:0020310.

Allele frequency attached by ClinVar (database versions not stated): gnomAD exomes below 0.00001; gnomAD 0.00001.

Submission:

Labcorp Genetics (formerly Invitae), Labcorp
Classification: Uncertain significance for Familial focal epilepsy with variable foci. Last evaluated: 2026-02-01. Review status: criteria provided, single submitter. Criteria: Invitae Variant Classification Sherloc (09022015). Collection method: clinical testing. Allele origin: germline.
Comment: This sequence change replaces methionine, which is neutral and non-polar, with isoleucine, which is neutral and non-polar, at codon 181 of the DEPDC5 protein (p.Met181Ile). This variant is present in population databases (no rsID available, gnomAD 0.006%). This variant has not been reported in the literature in individuals affected with DEPDC5-related conditions. ClinVar contains an entry for this variant (Variation ID: 1052094). Experimental studies and prediction algorithms are not available or were not evaluated, and the functional significance of this variant is currently unknown. In summary, the available evidence is currently insufficient to determine the role of this variant in disease. Therefore, it has been classified as a Variant of Uncertain Significance.